The following is an entry in ClinVar:

NM_032776.3(JMJD1C):c.3497A>G (p.His1166Arg)

Gene: JMJD1C (jumonji domain containing 1C; minus strand). Cytogenetic location: 10q21.3.
Variant type: single nucleotide variant.
Coding change: c.3497A>G on transcript NM_032776.3 (MANE Select); coding-DNA position 3497, A replaced by G.
Protein change: p.His1166Arg; replaces histidine 1166 with arginine.
Molecular consequence: missense variant. On other transcripts: non-coding transcript variant (1).
Genome position (GRCh38, 1-based): chr10:63,208,172, T>C on the plus strand (A>G on the coding strand, the complement: JMJD1C is on the minus strand). VCF-style: chr10-63208172-T-C. GRCh37 (hg19) VCF-style: chr10-64967932-T-C.
Other names: c.2951A>G, p.His984Arg (NM_001282948.2, NM_001318154.2); c.2633A>G, p.His878Arg (NM_001318153.2); c.3383A>G, p.His1128Arg (NM_001322252.2); c.2840A>G, p.His947Arg (NM_001322254.2, NM_001322258.2); short protein forms H1128R, H1166R, H878R, H947R, H984R.
Identifiers: ClinVar variation 1001496 (VCV001001496.8), dbSNP rs1846881039, ClinGen allele CA377041541.

ClinVar aggregate classification (germline): Uncertain significance (1 of 4 stars; one submission).

Conditions:
Early Myoclonic Encephalopathy. Identifiers: MedGen C0270855.

Submission:

Labcorp Genetics (formerly Invitae), Labcorp
Classification: Uncertain significance for Early Myoclonic Encephalopathy. Last evaluated: 2022-11-15. Review status: criteria provided, single submitter. Criteria: Invitae Variant Classification Sherloc (09022015). Collection method: clinical testing. Allele origin: germline.
Comment: In summary, the available evidence is currently insufficient to determine the role of this variant in disease. Therefore, it has been classified as a Variant of Uncertain Significance. Advanced modeling of protein sequence and biophysical properties (such as structural, functional, and spatial information, amino acid conservation, physicochemical variation, residue mobility, and thermodynamic stability) performed at Invitae indicates that this missense variant is not expected to disrupt JMJD1C protein function. ClinVar contains an entry for this variant (Variation ID: 1001496). This variant has not been reported in the literature in individuals affected with JMJD1C-related conditions. This variant is not present in population databases (gnomAD no frequency). This sequence change replaces histidine, which is basic and polar, with arginine, which is basic and polar, at codon 1166 of the JMJD1C protein (p.His1166Arg).